The following is an entry in ClinVar:

ClinVar aggregate classification (germline): Uncertain significance (1 of 4 stars; one submission).

Allele frequency attached by ClinVar (database versions not stated): gnomAD exomes below 0.00001; gnomAD 0.00001.
gnomAD v4.1: 2 of 1,609,646 alleles (0.00012%); highest among the groups gnomAD compares: South Asian, 0.0022%; no homozygotes.

Submission:

Labcorp Genetics (formerly Invitae), Labcorp
Classification: Uncertain significance. Last evaluated: 2024-02-24. Review status: criteria provided, single submitter. Criteria: Invitae Variant Classification Sherloc (09022015). Collection method: clinical testing. Allele origin: germline.
Comment: This sequence change replaces leucine, which is neutral and non-polar, with serine, which is neutral and polar, at codon 164 of the GHR protein (p.Leu164Ser). This variant is not present in population databases (gnomAD no frequency). This variant has not been reported in the literature in individuals affected with GHR-related conditions. ClinVar contains an entry for this variant (Variation ID: 1403053). Advanced modeling of protein sequence and biophysical properties (such as structural, functional, and spatial information, amino acid conservation, physicochemical variation, residue mobility, and thermodynamic stability) performed at Invitae indicates that this missense variant is not expected to disrupt GHR protein function with a negative predictive value of 80%. In summary, the available evidence is currently insufficient to determine the role of this variant in disease. Therefore, it has been classified as a Variant of Uncertain Significance.

NM_000163.5(GHR):c.491T>C (p.Leu164Ser)

Gene: GHR (growth hormone receptor; plus strand). Cytogenetic location: 5p12.
Variant type: single nucleotide variant.
Coding change: c.491T>C on transcript NM_000163.5 (MANE Select); coding-DNA position 491, T replaced by C.
Protein change: p.Leu164Ser; replaces leucine 164 with serine.
Molecular consequence: missense variant.
Genome position (GRCh38, 1-based): chr5:42,699,875, T>C. VCF-style: chr5-42699875-T-C. GRCh37 (hg19) VCF-style: chr5-42699977-T-C.
Other names: c.512T>C, p.Leu171Ser (NM_001242399.2); c.491T>C, p.Leu164Ser (NM_001242400.2, NM_001242401.4, NM_001242402.2 and 5 more transcripts); c.425T>C, p.Leu142Ser (NM_001242460.2); short protein forms L142S, L164S, L171S.
Identifiers: ClinVar variation 1403053 (VCV001403053.7), dbSNP rs1757848305, ClinGen allele CA359695489.